The following is an entry in ClinVar:

ClinVar aggregate classification (germline): Uncertain significance. Review status: criteria provided, multiple submitters, no conflicts (2 of 4 stars). 5 submissions from 3 submitters: Uncertain significance (5). Last evaluated 2021-08-11.

Conditions:
Amyotrophic lateral sclerosis type 5 (ALS5). Also called: AMYOTROPHIC LATERAL SCLEROSIS 5, JUVENILE. Identifiers: Orphanet 300605, MedGen C1865864, MONDO:0011196, OMIM 602099.
Charcot-Marie-Tooth disease axonal type 2X. Also called: CHARCOT-MARIE-TOOTH NEUROPATHY, TYPE 2X; CHARCOT-MARIE-TOOTH DISEASE, AXONAL, AUTOSOMAL RECESSIVE, TYPE 2X. Identifiers: Orphanet 466775, MedGen C5569024, MONDO:0014726, OMIM 616668.
Hereditary spastic paraplegia 11. Also called: Spastic paraplegia, mental retardation and thin corpus callosum; SPASTIC PARAPLEGIA, AUTOSOMAL RECESSIVE, COMPLICATED, WITH THIN CORPUS CALLOSUM; SPASTIC PARAPLEGIA, AUTOSOMAL RECESSIVE, WITH MENTAL IMPAIRMENT AND THIN CORPUS CALLOSUM; Spastic Paraplegia 11; Nakamura Osame syndrome; Autosomal recessive hereditary spastic paraplegia, mental impairment, and thin corpus callosum. Identifiers: Orphanet 2822, MedGen C1858479, MONDO:0011445, OMIM 604360.

Submissions (5):

Labcorp Genetics (formerly Invitae), Labcorp
Classification: Uncertain significance for Hereditary spastic paraplegia 11. Last evaluated: 2021-08-11. Review status: criteria provided, single submitter. Criteria: Invitae Variant Classification Sherloc (09022015). Collection method: clinical testing. Allele origin: germline.
Comment: This sequence change replaces leucine with isoleucine at codon 1301 of the SPG11 protein (p.Leu1301Ile). The leucine residue is highly conserved and there is a small physicochemical difference between leucine and isoleucine. This variant has not been reported in the literature in individuals affected with SPG11-related conditions. Algorithms developed to predict the effect of missense changes on protein structure and function output the following: SIFT: "Tolerated"; PolyPhen-2: "Benign"; Align-GVGD: "Class C0". The isoleucine amino acid residue is found in multiple mammalian species, which suggests that this missense change does not adversely affect protein function. In summary, the available evidence is currently insufficient to determine the role of this variant in disease. Therefore, it has been classified as a Variant of Uncertain Significance. This variant is not present in population databases (ExAC no frequency).

GeneDx
Classification: Uncertain significance. Last evaluated: 2021-06-30. Review status: criteria provided, single submitter. Criteria: GeneDx Variant Classification Process June 2021. Collection method: clinical testing. Allele origin: germline. Affected: yes.
Comment: Not observed at significant frequency in large population cohorts (Lek et al., 2016); In silico analysis supports that this missense variant does not alter protein structure/function; Has not been previously published as pathogenic or benign to our knowledge

Genome-Nilou Lab
Classification: Uncertain significance for Amyotrophic lateral sclerosis type 5. Review status: criteria provided, single submitter. Criteria: ACMG Guidelines, 2015. Collection method: clinical testing. Allele origin: germline.

Genome-Nilou Lab
Classification: Uncertain significance for Charcot-Marie-Tooth disease axonal type 2X. Review status: criteria provided, single submitter. Criteria: ACMG Guidelines, 2015. Collection method: clinical testing. Allele origin: germline.

Genome-Nilou Lab
Classification: Uncertain significance for Hereditary spastic paraplegia 11. Review status: criteria provided, single submitter. Criteria: ACMG Guidelines, 2015. Collection method: clinical testing. Allele origin: germline.

NM_025137.4(SPG11):c.3901C>A (p.Leu1301Ile)

Gene: SPG11 (SPG11 vesicle trafficking associated, spatacsin; minus strand). Cytogenetic location: 15q21.1.
Variant type: single nucleotide variant.
Coding change: c.3901C>A on transcript NM_025137.4 (MANE Select); coding-DNA position 3901, C replaced by A.
Protein change: p.Leu1301Ile; replaces leucine 1301 with isoleucine.
Molecular consequence: missense variant.
Genome position (GRCh38, 1-based): chr15:44,598,365, G>T on the plus strand (C>A on the coding strand, the complement: SPG11 is on the minus strand). VCF-style: chr15-44598365-G-T. GRCh37 (hg19) VCF-style: chr15-44890563-G-T.
Other names: c.3901C>A, p.Leu1301Ile (NM_001160227.2); short protein forms L1301I.
Identifiers: ClinVar variation 1331133 (VCV001331133.8), dbSNP rs2140977252, ClinGen allele CA392229875.